The following is an entry in ClinVar:

NM_001128228.3(TPRN):c.170G>T (p.Arg57Leu)

Genes: TPRN (taperin; minus strand), LOC130003093 (ATAC-STARR-seq lymphoblastoid silent region 20590; plus strand). Cytogenetic location: 9q34.3.
Variant type: single nucleotide variant.
Coding change: c.170G>T on transcript NM_001128228.3 (MANE Select); coding-DNA position 170, G replaced by T.
Protein change: p.Arg57Leu; replaces arginine 57 with leucine.
Molecular consequence: missense variant.
Genome position (GRCh38, 1-based): chr9:137,200,542, C>A on the plus strand (G>T on the coding strand, the complement: TPRN is on the minus strand). VCF-style: chr9-137200542-C-A. GRCh37 (hg19) VCF-style: chr9-140094994-C-A.
Other names: short protein forms R57L.
Identifiers: ClinVar variation 3370050 (VCV003370050.1).

ClinVar aggregate classification (germline): Uncertain significance (1 of 4 stars; one submission).

gnomAD v4.1: 57 of 1,167,752 alleles (0.0049%); highest among the groups gnomAD compares: Non-Finnish European, 0.0059%; no homozygotes.

Submission:

GeneDx
Classification: Uncertain significance. Last evaluated: 2024-01-02. Review status: criteria provided, single submitter. Criteria: GeneDx Variant Classification Process June 2021. Collection method: clinical testing. Allele origin: germline. Affected: yes.
Comment: Not observed at significant frequency in large population cohorts (gnomAD); In silico analysis supports that this missense variant does not alter protein structure/function; Has not been previously published as pathogenic or benign to our knowledge